The following is an entry in ClinVar:

ClinVar aggregate classification (germline): Uncertain significance. Review status: criteria provided, multiple submitters, no conflicts (2 of 4 stars). 2 submissions from 2 submitters: Uncertain significance (2). Last evaluated 2025-07-15.

Conditions:
Inborn genetic diseases. Identifiers: MedGen C0950123, MeSH D030342.
Idiopathic generalized epilepsy. Also called: Generalised epilepsy; EIG. Identifiers: MedGen C0270850, MONDO:0005579, OMIM 600669.
Hyperaldosteronism, familial, type IV (HALD4). Also called: FH IV; ALDOSTERONISM, PRIMARY, AND HYPERTENSION. Identifiers: Orphanet 642671, MedGen C4310756, MONDO:0014875, OMIM 617027.

Allele frequency attached by ClinVar (database versions not stated): gnomAD exomes 0.00001; ExAC 0.00002.

Submissions (2):

Ambry Genetics
Classification: Uncertain significance for Inborn genetic diseases. Last evaluated: 2025-07-15. Review status: criteria provided, single submitter. Criteria: Ambry Variant Classification Scheme 2023. Collection method: clinical testing. Allele origin: germline.

Labcorp Genetics (formerly Invitae), Labcorp
Classification: Uncertain significance for Idiopathic generalized epilepsy; Hyperaldosteronism, familial, type IV. Last evaluated: 2025-02-18. Review status: criteria provided, single submitter. Criteria: Invitae Variant Classification Sherloc (09022015). Collection method: clinical testing. Allele origin: germline.
Comment: This sequence change replaces asparagine, which is neutral and polar, with serine, which is neutral and polar, at codon 914 of the CACNA1H protein (p.Asn914Ser). This variant is present in population databases (rs769647241, gnomAD 0.003%). This variant has not been reported in the literature in individuals affected with CACNA1H-related conditions. ClinVar contains an entry for this variant (Variation ID: 961575). Invitae Evidence Modeling of protein sequence and biophysical properties (such as structural, functional, and spatial information, amino acid conservation, physicochemical variation, residue mobility, and thermodynamic stability) indicates that this missense variant is expected to disrupt CACNA1H protein function with a positive predictive value of 80%. In summary, the available evidence is currently insufficient to determine the role of this variant in disease. Therefore, it has been classified as a Variant of Uncertain Significance.

NM_021098.3(CACNA1H):c.2741A>G (p.Asn914Ser)

Gene: CACNA1H (calcium voltage-gated channel subunit alpha1 H; plus strand). Cytogenetic location: 16p13.3.
Variant type: single nucleotide variant.
Coding change: c.2741A>G on transcript NM_021098.3 (MANE Select); coding-DNA position 2741, A replaced by G.
Protein change: p.Asn914Ser; replaces asparagine 914 with serine.
Molecular consequence: missense variant.
Genome position (GRCh38, 1-based): chr16:1,206,241, A>G. VCF-style: chr16-1206241-A-G. GRCh37 (hg19) VCF-style: chr16-1256241-A-G.
Other names: c.2741A>G, p.Asn914Ser (NM_001005407.2); short protein forms N914S.
Identifiers: ClinVar variation 961575 (VCV000961575.10), dbSNP rs769647241, ClinGen allele CA7800410.